The following is an entry in ClinVar:

ClinVar aggregate classification (germline): Uncertain significance (1 of 4 stars; one submission).

Conditions:
Tuberous sclerosis 1 (TSC1). Identifiers: Orphanet 805, MedGen C1854465, MONDO:0008612, OMIM 191100.

Submission:

Labcorp Genetics (formerly Invitae), Labcorp
Classification: Uncertain significance for Tuberous sclerosis 1. Last evaluated: 2016-06-24. Review status: criteria provided, single submitter. Criteria: Invitae Variant Classification Sherloc (09022015). Collection method: clinical testing. Allele origin: germline.
Comment: This variant is not present in population databases (ExAC no frequency) and has not been reported in the literature in individuals with a TSC1-related disease. Algorithms developed to predict the effect of missense changes on protein structure and function do not agree on the potential impact of this missense change (SIFT: "Deleterious"; PolyPhen-2: "Possibly Damaging"; Align-GVGD: "Class C15"). In summary, this variant is a novel missense change with uncertain impact on protein function. It has been classified as a Variant of Uncertain Significance. This sequence change replaces serine with cysteine at codon 946 of the TSC1 protein (p.Ser946Cys). The serine residue is moderately conserved and there is a moderate physicochemical difference between serine and cysteine.

NM_000368.5(TSC1):c.2836A>T (p.Ser946Cys)

Gene: TSC1 (TSC complex subunit 1; minus strand). Cytogenetic location: 9q34.13.
Variant type: single nucleotide variant.
Coding change: c.2836A>T on transcript NM_000368.5 (MANE Select); coding-DNA position 2836, A replaced by T.
Protein change: p.Ser946Cys; replaces serine 946 with cysteine.
Molecular consequence: missense variant.
Genome position (GRCh38, 1-based): chr9:132,897,323, T>A on the plus strand (A>T on the coding strand, the complement: TSC1 is on the minus strand). VCF-style: chr9-132897323-T-A. GRCh37 (hg19) VCF-style: chr9-135772710-T-A.
Other names: c.2833A>T, p.Ser945Cys (NM_001162426.2); c.2683A>T, p.Ser895Cys (NM_001162427.2); c.2473A>T, p.Ser825Cys (NM_001362177.2); short protein forms S946C, S825C, S895C, S945C.
Identifiers: ClinVar variation 411279 (VCV000411279.8), dbSNP rs1060503225, ClinGen allele CA16612619.